The following is an entry in ClinVar:

NM_005012.4(ROR1):c.457C>G (p.Pro153Ala)

Gene: ROR1 (receptor tyrosine kinase like orphan receptor 1; plus strand). Cytogenetic location: 1p31.3.
Variant type: single nucleotide variant.
Coding change: c.457C>G on transcript NM_005012.4 (MANE Select); coding-DNA position 457, C replaced by G.
Protein change: p.Pro153Ala; replaces proline 153 with alanine.
Molecular consequence: missense variant.
Genome position (GRCh38, 1-based): chr1:64,050,691, C>G. VCF-style: chr1-64050691-C-G. GRCh37 (hg19) VCF-style: chr1-64516363-C-G.
Other names: c.457C>G, p.Pro153Ala (NM_001083592.2); short protein forms P153A.
Identifiers: ClinVar variation 4743431 (VCV004743431.1).

ClinVar aggregate classification (germline): Uncertain significance (1 of 4 stars; one submission).

Submission:

Labcorp Genetics (formerly Invitae), Labcorp
Classification: Uncertain significance. Last evaluated: 2025-06-04. Review status: criteria provided, single submitter. Criteria: Invitae Variant Classification Sherloc (09022015). Collection method: clinical testing. Allele origin: germline.
Comment: This sequence change replaces proline, which is neutral and non-polar, with alanine, which is neutral and non-polar, at codon 153 of the ROR1 protein (p.Pro153Ala). This variant is not present in population databases (gnomAD no frequency). This variant has not been reported in the literature in individuals affected with ROR1-related conditions. Invitae Evidence Modeling of protein sequence and biophysical properties (such as structural, functional, and spatial information, amino acid conservation, physicochemical variation, residue mobility, and thermodynamic stability) indicates that this missense variant is not expected to disrupt ROR1 protein function with a negative predictive value of 80%. In summary, the available evidence is currently insufficient to determine the role of this variant in disease. Therefore, it has been classified as a Variant of Uncertain Significance.